The following is an entry in ClinVar:

ClinVar aggregate classification (germline): Pathogenic (1 of 4 stars; one submission).

Conditions:
Early-infantile DEE. Also called: Early infantile epileptic encephalopathy; Early infantile epileptic encephalopathy with suppression bursts; Ohtahara syndrome. Identifiers: Orphanet 1934, MedGen C0393706, MONDO:0800491.

Submission:

Labcorp Genetics (formerly Invitae), Labcorp
Classification: Pathogenic for Early-infantile DEE. Last evaluated: 2025-02-18. Review status: criteria provided, single submitter. Criteria: Invitae Variant Classification Sherloc (09022015). Collection method: clinical testing. Allele origin: germline.
Comment: This sequence change replaces histidine, which is basic and polar, with leucine, which is neutral and non-polar, at codon 789 of the SCN1A protein (p.His789Leu). This variant is not present in population databases (gnomAD no frequency). This missense change has been observed in individual(s) with autosomal dominant SCN1A-related conditions (internal data). In at least one individual the variant was observed to be de novo. ClinVar contains an entry for this variant (Variation ID: 2835642). Invitae Evidence Modeling of protein sequence and biophysical properties (such as structural, functional, and spatial information, amino acid conservation, physicochemical variation, residue mobility, and thermodynamic stability) indicates that this missense variant is expected to disrupt SCN1A protein function with a positive predictive value of 95%. For these reasons, this variant has been classified as Pathogenic.

NM_001165963.4(SCN1A):c.2366A>T (p.His789Leu)

Gene: SCN1A (sodium voltage-gated channel alpha subunit 1; minus strand). Cytogenetic location: 2q24.3.
Variant type: single nucleotide variant.
Coding change: c.2366A>T on transcript NM_001165963.4 (MANE Select); coding-DNA position 2366, A replaced by T.
Protein change: p.His789Leu; replaces histidine 789 with leucine.
Molecular consequence: missense variant. On other transcripts: 5 prime UTR variant (1), non-coding transcript variant (1).
Genome position (GRCh38, 1-based): chr2:166,041,280, T>A on the plus strand (A>T on the coding strand, the complement: SCN1A is on the minus strand). VCF-style: chr2-166041280-T-A. GRCh37 (hg19) VCF-style: chr2-166897790-T-A.
Other names: c.2282A>T, p.His761Leu (NM_001165964.3, NM_001353957.2, NM_001353958.2); c.2366A>T, p.His789Leu (NM_001202435.3, NM_001353948.2); c.2333A>T, p.His778Leu (NM_001353949.2, NM_001353950.2, NM_001353951.2 and 2 more transcripts); c.2330A>T, p.His777Leu (NM_001353954.2, NM_001353955.2); c.2279A>T, p.His760Leu (NM_001353960.2); c.-93A>T (NM_001353961.2); short protein forms H778L, H761L, H777L, H789L, H760L.
Identifiers: ClinVar variation 2835642 (VCV002835642.3), dbSNP rs2468130308, ClinGen allele CA349063966.